The following is an entry in ClinVar:

NM_012144.4(DNAI1):c.73del (p.Arg25fs)

Gene: DNAI1 (dynein axonemal intermediate chain 1; plus strand). Cytogenetic location: 9p13.3.
Variant type: Deletion.
Coding change: c.73del on transcript NM_012144.4 (MANE Select); coding-DNA position 73, one base deleted (A; older notation c.73delA).
Protein change: p.Arg25fs; shifts the reading frame from arginine 25.
Molecular consequence: frameshift variant.
Genome position (GRCh38, 1-based): chr9:34,483,472, A deleted. VCF-style (leftmost placement, unchanged base first): chr9-34483471-CA-C. GRCh37 (hg19) VCF-style: chr9-34483469-CA-C.
Other names: c.73del, p.Arg25fs (NM_001281428.2); short protein forms R25fs.
Identifiers: ClinVar variation 3346484 (VCV003346484.2).

ClinVar aggregate classification (germline): Pathogenic. Review status: criteria provided, single submitter (1 of 4 stars). 2 submissions from 2 submitters: Pathogenic (1). 1 of the submissions does not count toward it. Last evaluated 2025-03-13.

Conditions:
Kartagener syndrome (CILD1). Also called: CILIARY DYSKINESIA, PRIMARY, 1; CILIARY DYSKINESIA, PRIMARY, 1, WITH OR WITHOUT SITUS INVERSUS; IMMOTILE CILIA SYNDROME; POLYNESIAN BRONCHIECTASIS; Dextrocardia bronchiectasis and sinusitis; SIEWERT SYNDROME. Identifiers: Orphanet 244, MedGen C4551906, MONDO:0009484, OMIM 244400.
DNAI1-related disorder. Also called: DNAI1-related condition.

Submissions (2):

Myriad Genetics, Inc.
Classification: Pathogenic for Kartagener syndrome. Last evaluated: 2025-03-13. Review status: criteria provided, single submitter. Criteria: Myriad Autosomal Dominant, Autosomal Recessive and X-Linked Classification Criteria (2023). Collection method: clinical testing. Allele origin: unknown.
Comment: NM_012144.2(DNAI1):c.73delA(R25Gfs*33) is expected to be pathogenic in the context of primary ciliary dyskinesia, DNAI1-related. This variant is predicted to lead to an abnormal or absent protein product due to the creation of a premature termination codon in DNAI1, a gene where loss-of-function variants are known to be pathogenic. Please note: this variant was assessed in the context of healthy population screening.

PreventionGenetics, part of Exact Sciences
Classification: Likely pathogenic for DNAI1-related condition. Last evaluated: 2024-04-17. Review status: no assertion criteria provided. Collection method: clinical testing. Allele origin: germline. Not counted in ClinVar's aggregate classification.
Comment: The DNAI1 c.73delA variant is predicted to result in a frameshift and premature protein termination (p.Arg25Glyfs*33). To our knowledge, this variant has not been reported in the literature or in a large population database, indicating this variant is rare. Frameshift variants in DNAI1 are expected to be pathogenic. This variant is interpreted as likely pathogenic.